The following is an entry in ClinVar:

NM_001171155.2(PET100):c.197T>C (p.Leu66Pro)

Genes: PET100 (PET100 cytochrome c oxidase chaperone; plus strand), STXBP2 (syntaxin binding protein 2; plus strand). Cytogenetic location: 19p13.2.
Variant type: single nucleotide variant.
Coding change: c.197T>C on transcript NM_001171155.2 (MANE Select); coding-DNA position 197, T replaced by C.
Protein change: p.Leu66Pro; replaces leucine 66 with proline.
Molecular consequence: missense variant. On other transcripts: non-coding transcript variant (1).
Genome position (GRCh38, 1-based): chr19:7,631,531, T>C. VCF-style: chr19-7631531-T-C. GRCh37 (hg19) VCF-style: chr19-7696417-T-C.
Other names: short protein forms L66P.
Identifiers: ClinVar variation 1320991 (VCV001320991.10), dbSNP rs570620177, ClinGen allele CA304898743.
Genomic context (GRCh38, chr19:7,631,531, plus strand): 5'-AGCTTCAAGAGATAGAGGAATTCAAAGAGAGGTTACGGAAGCGGCGGGAGGAGAAGCTCC[T>C]TCGCGACGCCCAGCAGAACTCCTGAGGCCTCCAAGTGGGAGTCCTAGCCCCTCCCCTGAT-3'
Protein context (NP_001164626.1, residues 56-73): RLRKRREEKL[Leu66Pro]RDAQQNS

ClinVar aggregate classification (germline): Conflicting classifications of pathogenicity. Review status: criteria provided, conflicting classifications (1 of 4 stars). 2 submissions from 2 submitters: Uncertain significance (1); Likely benign (1). Last evaluated 2026-01-07.

Allele frequency attached by ClinVar (database versions not stated): gnomAD 0.00007 and 0.00006; TOPMed 0.00012; gnomAD exomes 0.00005 and 0.00037; 1000 Genomes Project 0.00020; 1000 Genomes Project 30x 0.00031.
gnomAD v4.1: 74 of 1,536,036 alleles (0.0048%); highest among the groups gnomAD compares: Admixed American, 0.15%; no homozygotes.

Submissions (2):

GeneDx
Classification: Uncertain significance. Last evaluated: 2026-01-07. Review status: criteria provided, single submitter. Criteria: GeneDx Variant Classification Process June 2021. Collection method: clinical testing. Allele origin: germline. Affected: yes.
Comment: In silico analysis supports that this missense variant has a deleterious effect on protein structure/function; Has not been previously published as pathogenic or benign to our knowledge

Labcorp Genetics (formerly Invitae), Labcorp
Classification: Likely benign. Last evaluated: 2025-07-30. Review status: criteria provided, single submitter. Criteria: Invitae Variant Classification Sherloc (09022015). Collection method: clinical testing. Allele origin: germline.